The following is an entry in ClinVar:

NM_078470.6(COX15):c.1200G>T (p.Trp400Cys)

Gene: COX15 (cytochrome c oxidase assembly factor COX15; minus strand). Cytogenetic location: 10q24.2.
Variant type: single nucleotide variant.
Coding change: c.1200G>T on transcript NM_078470.6 (MANE Select); coding-DNA position 1200, G replaced by T.
Protein change: p.Trp400Cys; replaces tryptophan 400 with cysteine.
Molecular consequence: missense variant. On other transcripts: 3 prime UTR variant (2), non-coding transcript variant (1), intron variant (4).
Genome position (GRCh38, 1-based): chr10:99,714,620, C>A on the plus strand (G>T on the coding strand, the complement: COX15 is on the minus strand). VCF-style: chr10-99714620-C-A. GRCh37 (hg19) VCF-style: chr10-101474377-C-A.
Other names: c.*148G>T (NM_001320975.2); c.663G>T, p.Trp221Cys (NM_001320976.2); c.1218G>T, p.Trp406Cys (NM_001372025.1); c.1173G>T, p.Trp391Cys (NM_001372026.1); c.*71G>T (NM_001372027.1); c.1101+1728G>T (NM_001320974.2); c.*50-656G>T (NM_001372028.1); c.1102-1141G>T (NM_004376.7); and 1 more; short protein forms W221C, W391C, W400C, W406C.
Identifiers: ClinVar variation 4813232 (VCV004813232.1).

ClinVar aggregate classification (germline): Uncertain significance (1 of 4 stars; one submission).

Submission:

GeneDx
Classification: Uncertain significance. Last evaluated: 2025-09-09. Review status: criteria provided, single submitter. Criteria: GeneDx Variant Classification Process June 2021. Collection method: clinical testing. Allele origin: germline. Affected: yes.
Comment: Not observed at significant frequency in large population cohorts (gnomAD); In silico analysis supports that this missense variant has a deleterious effect on protein structure/function; Has not been previously published as pathogenic or benign to our knowledge; Reported using an alternate transcript of the gene